The following is an entry in ClinVar:

NM_017433.5(MYO3A):c.2636-3T>C

Gene: MYO3A (myosin IIIA; plus strand). Cytogenetic location: 10p12.1.
Variant type: single nucleotide variant.
Coding change: c.2636-3T>C on transcript NM_017433.5 (MANE Select); 3 bases into the intron before coding-DNA position 2636, T replaced by C.
Molecular consequence: intron variant.
Genome position (GRCh38, 1-based): chr10:26,153,847, T>C. VCF-style: chr10-26153847-T-C. GRCh37 (hg19) VCF-style: chr10-26442776-T-C.
Identifiers: ClinVar variation 4882532 (VCV004882532.2).

ClinVar aggregate classification (germline): Uncertain significance (1 of 4 stars; one submission).

Submission:

Dasa
Classification: Uncertain significance. Last evaluated: 2025-08-13. Review status: criteria provided, single submitter. Criteria: DASA Assertion Criteria. Collection method: clinical testing. Allele origin: germline.
Comment: NM_017433.5(MYO3A):c.2636-3T>C is a splice-region variant. This variant is absent from population databases. Computational prediction algorithms are consistent with a benign effect. The currently available literature and clinical evidence are not sufficient to establish a definitive association between this variant and the reported condition. Therefore, this variant is classified as a variant of uncertain significance.